The following is an entry in ClinVar:

ClinVar aggregate classification (germline): Conflicting classifications of pathogenicity. Review status: criteria provided, conflicting classifications (1 of 4 stars). 11 submissions from 11 submitters: Uncertain significance (1); Benign (5); Likely benign (4). 1 of the submissions does not count toward it. Last evaluated 2026-06-01.

Conditions:
Dystrophin deficiency.
Duchenne muscular dystrophy (DMD). Also called: MUSCULAR DYSTROPHY, PSEUDOHYPERTROPHIC PROGRESSIVE, DUCHENNE TYPE; Duchenne Muscular Dystrophy (DMD). Identifiers: Orphanet 98896, MedGen C0013264, MONDO:0010679, OMIM 310200.
Cardiomyopathy (CMYO). Also called: Cardiomyopathies. Identifiers: Orphanet 167848, MedGen C0878544, MONDO:0004994, HP:0001638. Inheritance: Various modes of inheritance.
Becker muscular dystrophy (BMD). Also called: MUSCULAR DYSTROPHY, PSEUDOHYPERTROPHIC PROGRESSIVE, BECKER TYPE; Becker Muscular Dystrophy (BMD). Identifiers: Orphanet 98895, MedGen C0917713, MONDO:0010311, OMIM 300376.
Cardiovascular phenotype. Identifiers: MedGen CN230736.
Dilated cardiomyopathy 3B (CMD3B). Also called: CMD3B: DMD-Related Dilated Cardiomyopathy; CARDIOMYOPATHY, DILATED, X-LINKED; DMD-Associated Dilated Cardiomyopathy. Identifiers: Orphanet 154, MedGen C3668940, MONDO:0010542, OMIM 302045.

Allele frequency attached by ClinVar (database versions not stated): gnomAD exomes 0.00008 and 0.00023; ExAC 0.00027; ESP Exome Variant Server 0.00066; TOPMed 0.00094; gnomAD 0.00110 and 0.00113; 1000 Genomes Project 0.00238; 1000 Genomes Project 30x 0.00271.
gnomAD v4.1: 221 of 1,207,753 alleles (0.018%); highest among the groups gnomAD compares: African/African-American, 0.34%; 2 homozygotes.

Submissions (11):

CeGaT Center for Human Genetics Tuebingen
Classification: Likely benign. Last evaluated: 2026-06-01. Review status: criteria provided, single submitter. Criteria: CeGaT Center For Human Genetics Tuebingen Variant Classification Criteria Version 2. Collection method: clinical testing. Allele origin: germline. Affected: yes. Observed: 1 variant allele.
Comment: DMD: BP4, BS2

Labcorp Genetics (formerly Invitae), Labcorp
Classification: Benign for Duchenne muscular dystrophy. Last evaluated: 2026-02-04. Review status: criteria provided, single submitter. Criteria: Invitae Variant Classification Sherloc (09022015). Collection method: clinical testing. Allele origin: germline.

Women's Health and Genetics/Laboratory Corporation of America, LabCorp
Classification: Likely benign. Last evaluated: 2025-04-14. Review status: criteria provided, single submitter. Criteria: LabCorp Variant Classification Summary - May 2015. Collection method: clinical testing. Allele origin: germline.

Molecular Diagnostic Laboratory for Inherited Cardiovascular Disease, Montreal Heart Institute
Classification: Likely benign. Last evaluated: 2025-04-09. Review status: criteria provided, single submitter. Criteria: ACMG Guidelines, 2015. Collection method: clinical testing. Allele origin: germline. Affected: no.
Comment: BS1;BP1;BP4;BP6

Blueprint Genetics
Classification: Likely benign. Last evaluated: 2024-10-02. Review status: criteria provided, single submitter. Criteria: ACMG Guidelines, 2015. Collection method: clinical testing. Allele origin: germline.

Fulgent Genetics
Classification: Benign for Becker muscular dystrophy; Dilated cardiomyopathy 3B; Duchenne muscular dystrophy. Last evaluated: 2021-09-08. Review status: criteria provided, single submitter. Criteria: ACMG Guidelines, 2015. Collection method: clinical testing. Allele origin: unknown.

GeneDx
Classification: Benign. Last evaluated: 2021-05-25. Review status: criteria provided, single submitter. Criteria: GeneDx Variant Classification Process June 2021. Collection method: clinical testing. Allele origin: germline. Affected: yes.

Athena Diagnostics
Classification: Benign. Last evaluated: 2018-05-01. Review status: criteria provided, single submitter. Criteria: Athena Diagnostics Criteria. Collection method: clinical testing. Allele origin: germline.

Ambry Genetics
Classification: Benign for Cardiovascular phenotype. Last evaluated: 2017-11-09. Review status: criteria provided, single submitter. Criteria: Ambry Variant Classification Scheme 2023. Collection method: clinical testing. Allele origin: germline.

Center for Genomics, Ann and Robert H. Lurie Children's Hospital of Chicago
Classification: Uncertain significance for Becker muscular dystrophy; Dilated cardiomyopathy 3B; Duchenne muscular dystrophy. Review status: criteria provided, single submitter. Criteria: ACMG Guidelines, 2015. Collection method: clinical testing. Allele origin: germline.
Comment: DMD NM_004006.2 exon 42 p.Tyr1995Phe (c.5984A>T): This variant has not been reported in the literature but is present in 0.3% (64/18143) of African alleles, including 22 hemizygotes, in the Genome Aggregation Database. This variant is present in ClinVar, with several labs classifying this variant as Likely Benign or Benign (Variation ID:94687). Evolutionary conservation and computational predictive tools for this variant are unclear. In summary, data on this variant is insufficient for disease classification. Therefore, the clinical significance of this variant is uncertain.

Natera, Inc.
Classification: Likely benign for Becker muscular dystrophy; Cardiomyopathy; Duchenne muscular dystrophy; Dystrophin deficiency. Last evaluated: 2017-10-17. Review status: no assertion criteria provided. Collection method: clinical testing. Allele origin: germline. Not counted in ClinVar's aggregate classification.

NM_004006.3(DMD):c.5984A>T (p.Tyr1995Phe)

Gene: DMD (dystrophin; minus strand). Cytogenetic location: Xp21.1.
Variant type: single nucleotide variant.
Coding change: c.5984A>T on transcript NM_004006.3 (MANE Select); coding-DNA position 5984, A replaced by T.
Protein change: p.Tyr1995Phe; replaces tyrosine 1995 with phenylalanine.
Molecular consequence: missense variant.
Genome position (GRCh38, 1-based): chrX:32,310,215, T>A on the plus strand (A>T on the coding strand, the complement: DMD is on the minus strand). VCF-style: chrX-32310215-T-A. GRCh37 (hg19) VCF-style: chrX-32328332-T-A.
Other names: c.5960A>T, p.Tyr1987Phe (NM_000109.4); c.5972A>T, p.Tyr1991Phe (NM_004009.3); c.5615A>T, p.Tyr1872Phe (NM_004010.3); c.1961A>T, p.Tyr654Phe (NM_004011.4); c.1952A>T, p.Tyr651Phe (NM_004012.4); short protein forms Y1872F, Y1987F, Y1991F, Y651F, Y654F.
Identifiers: ClinVar variation 94687 (VCV000094687.26), dbSNP rs147927593, ClinGen allele CA147837.